The following is an entry in ClinVar:

NM_003151.4(STAT4):c.2125A>G (p.Thr709Ala)

Genes: STAT4 (signal transducer and activator of transcription 4; minus strand), STAT4-AS1 (STAT4 antisense RNA 1; plus strand). Cytogenetic location: 2q32.2.
Variant type: single nucleotide variant.
Coding change: c.2125A>G on transcript NM_003151.4 (MANE Select); coding-DNA position 2125, A replaced by G.
Protein change: p.Thr709Ala; replaces threonine 709 with alanine.
Molecular consequence: missense variant. On other transcripts: non-coding transcript variant (1).
Genome position (GRCh38, 1-based): chr2:191,031,067, T>C on the plus strand (A>G on the coding strand, the complement: STAT4 is on the minus strand). VCF-style: chr2-191031067-T-C. GRCh37 (hg19) VCF-style: chr2-191895793-T-C.
Other names: c.2125A>G, p.Thr709Ala (NM_001243835.2); short protein forms T709A.
Identifiers: ClinVar variation 3702081 (VCV003702081.2).
Genomic context (GRCh38, chr2:191,031,067, plus strand): 5'-TCAACACCGCATACACACTTGGAGACATGGGAAGAAGGTCTGATGGAGAATGTGGCTCTG[T>C]TGAATCACTTCGGCTTAAAGAGATAACAAGGTCAATATGGACAAGGATTAAAAAATAATA-3'
Protein context (NP_003142.1, residues 699-719): IPISTIRSDS[Thr709Ala]EPHSPSDLLP

ClinVar aggregate classification (germline): Uncertain significance (1 of 4 stars; one submission).

gnomAD v4.1: 1 of 1,613,980 alleles (0.000062%); highest among the groups gnomAD compares: Admixed American, 0.0017%; no homozygotes.

Submission:

Labcorp Genetics (formerly Invitae), Labcorp
Classification: Uncertain significance. Last evaluated: 2025-06-10. Review status: criteria provided, single submitter. Criteria: Invitae Variant Classification Sherloc (09022015). Collection method: clinical testing. Allele origin: germline.
Comment: This sequence change replaces threonine, which is neutral and polar, with alanine, which is neutral and non-polar, at codon 709 of the STAT4 protein (p.Thr709Ala). This variant is present in population databases (rs770874469, gnomAD 0.003%). This variant has not been reported in the literature in individuals affected with STAT4-related conditions. ClinVar contains an entry for this variant (Variation ID: 3702081). Invitae Evidence Modeling of protein sequence and biophysical properties (such as structural, functional, and spatial information, amino acid conservation, physicochemical variation, residue mobility, and thermodynamic stability) indicates that this missense variant is not expected to disrupt STAT4 protein function with a negative predictive value of 80%. In summary, the available evidence is currently insufficient to determine the role of this variant in disease. Therefore, it has been classified as a Variant of Uncertain Significance.